The following is an entry in ClinVar:

ClinVar aggregate classification (germline): Conflicting classifications of pathogenicity. Review status: criteria provided, conflicting classifications (1 of 4 stars). 4 submissions from 4 submitters: Uncertain significance (1); Likely benign (2). 1 of the submissions does not count toward it. Last evaluated 2024-10-14.

Conditions:
MYO1A-related disorder. Also called: MYO1A-related condition.

Allele frequency attached by ClinVar (database versions not stated): gnomAD exomes 0.00007 and 0.00027; gnomAD 0.00009 and 0.00012; TOPMed 0.00010; ExAC 0.00022; 1000 Genomes Project 30x 0.00078; 1000 Genomes Project 0.00100.
gnomAD v4.1: 147 of 1,614,164 alleles (0.0091%); highest among the groups gnomAD compares: East Asian, 0.14%; 1 homozygote.

Submissions (4):

Blueprint Genetics
Classification: Likely benign. Last evaluated: 2024-10-14. Review status: criteria provided, single submitter. Criteria: ACMG Guidelines, 2015. Collection method: clinical testing. Allele origin: germline.

Eurofins Ntd Llc (ga)
Classification: Uncertain significance. Last evaluated: 2016-12-06. Review status: criteria provided, single submitter. Criteria: EGL Classification Definitions 2015. Collection method: clinical testing. Allele origin: germline. Observed: 1 variant allele, 1 heterozygote.

Laboratory for Molecular Medicine, Mass General Brigham Personalized Medicine
Classification: Likely benign. Last evaluated: 2013-04-10. Review status: criteria provided, single submitter. Criteria: LMM Criteria. Collection method: clinical testing. Allele origin: germline. Observed: 1 variant allele.
Comment: The Arg694Arg variant in exon 20 of MYO1A: This variant is not expected to have clinical significance because it does not alter an amino acid residue and is not located within the splice consensus sequence.

PreventionGenetics, part of Exact Sciences
Classification: Likely benign for MYO1A-related condition. Last evaluated: 2019-03-28. Review status: no assertion criteria provided. Collection method: clinical testing. Allele origin: germline. Not counted in ClinVar's aggregate classification.
Comment: This variant is classified as likely benign based on ACMG/AMP sequence variant interpretation guidelines (Richards et al. 2015 PMID: 25741868, with internal and published modifications).

NM_005379.4(MYO1A):c.2082C>G (p.Arg694=)

Gene: MYO1A (myosin IA; minus strand). Cytogenetic location: 12q13.3.
Variant type: single nucleotide variant.
Coding change: c.2082C>G on transcript NM_005379.4 (MANE Select); coding-DNA position 2082, C replaced by G.
Protein change: p.Arg694=; no amino-acid change (arginine 694 retained).
Molecular consequence: synonymous variant.
Genome position (GRCh38, 1-based): chr12:57,037,065, G>C on the plus strand (C>G on the coding strand, the complement: MYO1A is on the minus strand). VCF-style: chr12-57037065-G-C. GRCh37 (hg19) VCF-style: chr12-57430849-G-C.
Other names: c.2082C>G, p.Arg694= (NM_001256041.2).
Identifiers: ClinVar variation 164587 (VCV000164587.11), dbSNP rs189900453, ClinGen allele CA177299.